The following is an entry in ClinVar:

ClinVar aggregate classification (germline): Uncertain significance (1 of 4 stars; one submission).

Conditions:
SIN3A-related intellectual disability syndrome due to a point mutation. Also called: WITTEVEEN-KOLK SYNDROME; 15q24 Microdeletion Syndrome. Identifiers: Orphanet 500166, Orphanet 94065, MedGen C4310804, MONDO:0044700, OMIM 613406.

Submission:

OLLIN Analises Genomicas, OLLIN
Classification: Uncertain significance for SIN3A-related intellectual disability syndrome due to a point mutation. Last evaluated: 2026-08-06. Review status: criteria provided, single submitter. Criteria: ACMG Guidelines 2015 PMID 25741868. Collection method: clinical testing. Allele origin: germline. Inheritance: Autosomal dominant inheritance.
Comment: This missense variant, located in exon 13 (of 21), is absent from gnomAD and ClinVar and has not been identified in the literature. In silico analysis predicts that this variant has a tolerated effect. This gene is constrained for missense variation. According to the currently available evidence, this variant has been classified as uncertain significance (PM2_P, PP2, BP4_M).

NM_001145358.2(SIN3A):c.1894G>C (p.Val632Leu)

Gene: SIN3A (SIN3 transcription regulator family member A; minus strand). Cytogenetic location: 15q24.2.
Variant type: single nucleotide variant.
Coding change: c.1894G>C on transcript NM_001145358.2 (MANE Select); coding-DNA position 1894, G replaced by C.
Protein change: p.Val632Leu; replaces valine 632 with leucine.
Molecular consequence: missense variant.
Genome position (GRCh38, 1-based): chr15:75,396,457, C>G on the plus strand (G>C on the coding strand, the complement: SIN3A is on the minus strand). VCF-style: chr15-75396457-C-G. GRCh37 (hg19) VCF-style: chr15-75688798-C-G.
Other names: c.1894G>C, p.Val632Leu (NM_001145357.2, NM_001437462.1, NM_001437463.1 and 1 more transcripts); short protein forms V632L.
Identifiers: ClinVar variation 5002830 (VCV005002830.1).